The following is an entry in ClinVar:

NM_014003.4(DHX38):c.3103G>T (p.Ala1035Ser)

Genes: DHX38 (DEAH-box helicase 38; plus strand), LOC126862391 (CDK7 strongly-dependent group 2 enhancer GRCh37_chr16:72141414-72142613; plus strand). Cytogenetic location: 16q22.2.
Variant type: single nucleotide variant.
Coding change: c.3103G>T on transcript NM_014003.4 (MANE Select); coding-DNA position 3103, G replaced by T.
Protein change: p.Ala1035Ser; replaces alanine 1035 with serine.
Molecular consequence: missense variant.
Genome position (GRCh38, 1-based): chr16:72,108,365, G>T. VCF-style: chr16-72108365-G-T. GRCh37 (hg19) VCF-style: chr16-72142264-G-T.
Other names: short protein forms A1035S.
Identifiers: ClinVar variation 1493249 (VCV001493249.8), dbSNP rs1481394708, ClinGen allele CA396715930.
Genomic context (GRCh38, chr16:72,108,365, plus strand): 5'-TACCTGCAGTGGAAGAACAATAATTACTCCACCATCTGGTGTAACGATCATTTCATCCAT[G>T]CTAAGGCCATGCGGAAGGTAGAGTGGTGGATGAGCAGGATGTTGGGATGAGGGGAGGGTC-3'
Protein context (NP_054722.2, residues 1025-1045): TIWCNDHFIH[Ala1035Ser]KAMRKVREVR

ClinVar aggregate classification (germline): Uncertain significance (1 of 4 stars; one submission).

Allele frequency attached by ClinVar (database versions not stated): gnomAD exomes below 0.00001.
gnomAD v4.1: 1 of 1,614,216 alleles (0.000062%); highest among the groups gnomAD compares: Non-Finnish European, 0.000085%; no homozygotes.

Submission:

Labcorp Genetics (formerly Invitae), Labcorp
Classification: Uncertain significance. Last evaluated: 2021-02-13. Review status: criteria provided, single submitter. Criteria: Invitae Variant Classification Sherloc (09022015). Collection method: clinical testing. Allele origin: germline.
Comment: In summary, the available evidence is currently insufficient to determine the role of this variant in disease. Therefore, it has been classified as a Variant of Uncertain Significance. Algorithms developed to predict the effect of missense changes on protein structure and function (SIFT, PolyPhen-2, Align-GVGD) all suggest that this variant is likely to be tolerated, but these predictions have not been confirmed by published functional studies and their clinical significance is uncertain. This variant has not been reported in the literature in individuals with DHX38-related conditions. This variant is not present in population databases (ExAC no frequency). This sequence change replaces alanine with serine at codon 1035 of the DHX38 protein (p.Ala1035Ser). The alanine residue is highly conserved and there is a moderate physicochemical difference between alanine and serine.